The following is an entry in ClinVar:

NM_006767.4(LZTR1):c.1418del (p.Lys473fs)

Gene: LZTR1 (leucine zipper like post translational regulator 1; plus strand). Cytogenetic location: 22q11.21.
Variant type: Deletion.
Coding change: c.1418del on transcript NM_006767.4 (MANE Select); coding-DNA position 1418, one base deleted (A; older notation c.1418delA).
Protein change: p.Lys473fs; shifts the reading frame from lysine 473.
Molecular consequence: frameshift variant.
Genome position (GRCh38, 1-based): chr22:20,993,988, A deleted; the last of 2 consecutive A bases (chr22:20,993,987-20,993,988); deleting either gives the same sequence. VCF-style (leftmost placement, unchanged base first): chr22-20993986-GA-G. GRCh37 (hg19) VCF-style: chr22-21348275-GA-G.
Other names: short protein forms K473fs.
Identifiers: ClinVar variation 4615649 (VCV004615649.1).

ClinVar aggregate classification (germline): Pathogenic (1 of 4 stars; one submission).

Conditions:
Cardiovascular phenotype. Identifiers: MedGen CN230736.
Hereditary cancer-predisposing syndrome. Also called: Neoplastic Syndromes, Hereditary; Tumor predisposition; Hereditary Cancer Syndrome; Hereditary neoplastic syndrome. Identifiers: Orphanet 140162, MedGen C0027672, MeSH D009386, MONDO:0015356.

Submission:

Ambry Genetics
Classification: Pathogenic for Cardiovascular phenotype; Hereditary cancer-predisposing syndrome. Last evaluated: 2025-11-04. Review status: criteria provided, single submitter. Criteria: Ambry Variant Classification Scheme 2023. Collection method: clinical testing. Allele origin: germline.
Comment: The c.1418delA pathogenic mutation, located in coding exon 13 of the LZTR1 gene, results from a deletion of one nucleotide at nucleotide position 1418, causing a translational frameshift with a predicted alternate stop codon (p.K473Rfs*83). This alteration is expected to result in loss of function by premature protein truncation or nonsense-mediated mRNA decay. Loss-of-function variants in LZTR1 are related to an increased risk for schwannomas and autosomal recessive Noonan syndrome; however, such associations with autosomal dominant Noonan syndrome have not been observed (Piotrowski A et al. Nat Genet. 2014 Feb;46:182-7; Yamamoto GL et al. J Med Genet. 2015 Jun;52:413-21; Johnston JJ et al. Genet Med. 2018 10;20:1175-1185). Based on the supporting evidence, this variant is pathogenic for an increased risk of LZTR1-related schwannomatosis (SWN) and would be expected to cause autosomal recessive Noonan syndrome when present along with a second pathogenic or likely pathogenic variant on the other allele; however, the association of this alteration with autosomal dominant Noonan syndrome is unlikely.